The following is an entry in ClinVar:

NM_001367561.1(DOCK7):c.2545A>G (p.Ile849Val)

Gene: DOCK7 (dedicator of cytokinesis 7; minus strand). Cytogenetic location: 1p31.3.
Variant type: single nucleotide variant.
Coding change: c.2545A>G on transcript NM_001367561.1 (MANE Select); coding-DNA position 2545, A replaced by G.
Protein change: p.Ile849Val; replaces isoleucine 849 with valine.
Molecular consequence: missense variant.
Genome position (GRCh38, 1-based): chr1:62,555,876, T>C on the plus strand (A>G on the coding strand, the complement: DOCK7 is on the minus strand). VCF-style: chr1-62555876-T-C. GRCh37 (hg19) VCF-style: chr1-63021547-T-C.
Other names: c.2545A>G, p.Ile849Val (NM_001271999.2, NM_001272000.2, NM_001272001.2 and 2 more transcripts); short protein forms I849V.
Identifiers: ClinVar variation 1026452 (VCV001026452.9), dbSNP rs1388592985, ClinGen allele CA340623257.

ClinVar aggregate classification (germline): Uncertain significance (1 of 4 stars; one submission).

Conditions:
Developmental and epileptic encephalopathy, 23 (DEE23). Also called: Epileptic encephalopathy, early infantile, 23. Identifiers: Orphanet 411986, MedGen C4014492, MONDO:0014371, OMIM 615859.

Allele frequency attached by ClinVar (database versions not stated): gnomAD exomes below 0.00001.
gnomAD v4.1: 1 of 1,613,866 alleles (0.000062%); highest among the groups gnomAD compares: Admixed American, 0.0017%; no homozygotes.

Submission:

Labcorp Genetics (formerly Invitae), Labcorp
Classification: Uncertain significance for Developmental and epileptic encephalopathy, 23. Last evaluated: 2022-06-01. Review status: criteria provided, single submitter. Criteria: Invitae Variant Classification Sherloc (09022015). Collection method: clinical testing. Allele origin: germline.
Comment: This sequence change replaces isoleucine, which is neutral and non-polar, with valine, which is neutral and non-polar, at codon 849 of the DOCK7 protein (p.Ile849Val). This variant is present in population databases (no rsID available, gnomAD 0.003%). This variant has not been reported in the literature in individuals affected with DOCK7-related conditions. ClinVar contains an entry for this variant (Variation ID: 1026452). Algorithms developed to predict the effect of missense changes on protein structure and function (SIFT, PolyPhen-2, Align-GVGD) all suggest that this variant is likely to be tolerated. In summary, the available evidence is currently insufficient to determine the role of this variant in disease. Therefore, it has been classified as a Variant of Uncertain Significance.